The following is an entry in ClinVar:

NM_001807.6(CEL):c.341-2A>G

Gene: CEL (carboxyl ester lipase; plus strand). Cytogenetic location: 9q34.13.
Variant type: single nucleotide variant.
Coding change: c.341-2A>G on transcript NM_001807.6 (MANE Select); the canonical splice acceptor site of the intron before coding-DNA position 341, A replaced by G.
Molecular consequence: splice acceptor variant.
Genome position (GRCh38, 1-based): chr9:133,065,038, A>G. VCF-style: chr9-133065038-A-G. GRCh37 (hg19) VCF-style: chr9-135940425-A-G.
Identifiers: ClinVar variation 931259 (VCV000931259.3), dbSNP rs755075929, ClinGen allele CA5302974.
Genomic context (GRCh38, chr9:133,065,038, plus strand): 5'-GGACCGGCTGGAGACAGGGCCAGGCGGGGCGTCTGGGGTCACCAGCCGCTCCCCCATCTC[A>G]GTCTCCCGGGACCTGCCCGTTATGATCTGGATCTATGGAGGCGCCTTCCTCATGGGGTCC-3'

ClinVar aggregate classification (germline): Uncertain significance (1 of 4 stars; one submission).

Conditions:
Maturity-onset diabetes of the young type 8 (MODY8). Also called: DIABETES AND PANCREATIC EXOCRINE DYSFUNCTION; DIABETES-PANCREATIC EXOCRINE DYSFUNCTION SYNDROME. Identifiers: Orphanet 552, MedGen C1853297, MONDO:0012348, OMIM 609812.

Allele frequency attached by ClinVar (database versions not stated): gnomAD exomes below 0.00001 and 0.00002; TOPMed below 0.00001; ExAC 0.00001.
gnomAD v4.1: 5 of 1,611,098 alleles (0.00031%); highest among the groups gnomAD compares: Admixed American, 0.0017%; no homozygotes.

Submission:

Centre for Mendelian Genomics, University Medical Centre Ljubljana
Classification: Uncertain significance for Maturity-onset diabetes of the young type 8. Last evaluated: 2018-11-30. Review status: criteria provided, single submitter. Criteria: ACMG Guidelines, 2015. Collection method: clinical testing. Allele origin: unknown. Affected: yes.
Comment: This variant was classified as: Uncertain significance. The available evidence on this variant's pathogenicity is insufficient or conflicting. The following ACMG criteria were applied in classifying this variant: BS1.